The following is an entry in ClinVar:

ClinVar aggregate classification (germline): Pathogenic (1 of 4 stars; one submission).

Conditions:
Glycogen storage disease, type II (IOPD). Also called: CARDIOMEGALIA GLYCOGENICA DIFFUSA; GLYCOGENOSIS, GENERALIZED, CARDIAC FORM; GSD II; Glycogen storage disease type 2; Acid maltase deficiency disease; Aglucosidase alfa. Identifiers: Orphanet 365, MedGen C0017921, MONDO:0009290, OMIM 232300.

Submission:

Myriad Genetics, Inc.
Classification: Pathogenic for Glycogen storage disease, type II. Last evaluated: 2025-12-15. Review status: criteria provided, single submitter. Criteria: Myriad Autosomal Dominant, Autosomal Recessive and X-Linked Classification Criteria (2023). Collection method: clinical testing. Allele origin: unknown.
Comment: NM_000152.3(GAA):c.2316delG(W772Cfs*9) is expected to be pathogenic in the context of Pompe disease. This variant is predicted to lead to an abnormal or absent protein product due to the creation of a premature termination codon in GAA, a gene where loss-of-function variants are known to be pathogenic. Please note: this variant was assessed in the context of healthy population screening.

NM_000152.5(GAA):c.2316del (p.Trp772fs)

Gene: GAA (alpha glucosidase; plus strand). Cytogenetic location: 17q25.3.
Variant type: Deletion.
Coding change: c.2316del on transcript NM_000152.5 (MANE Select); coding-DNA position 2316, one base deleted (G; older notation c.2316delG).
Protein change: p.Trp772fs; shifts the reading frame from tryptophan 772.
Molecular consequence: frameshift variant.
Genome position (GRCh38, 1-based): chr17:80,117,094, G deleted; the last of 2 consecutive G bases (chr17:80,117,093-80,117,094); deleting either gives the same sequence. VCF-style (leftmost placement, unchanged base first): chr17-80117092-TG-T. GRCh37 (hg19) VCF-style: chr17-78090891-TG-T.
Other names: c.2316del, p.Trp772fs (NM_001079803.3, NM_001079804.3, NM_001406741.1 and 1 more transcripts); short protein forms W772fs.
Identifiers: ClinVar variation 5015330 (VCV005015330.1).